The following is an entry in ClinVar:

ClinVar aggregate classification (germline): Likely pathogenic (1 of 4 stars; one submission).

Conditions:
Ethylmalonic encephalopathy (EE). Also called: EPEMA syndrome; Encephalopathy, petechiae, and ethylmalonic aciduria; Syndrome of encephalopathy, petechiae, and ethylmalonic aciduria. Identifiers: Orphanet 51188, MedGen C1865349, MONDO:0011229, OMIM 602473. Disease mechanism: loss of function.

Allele frequency attached by ClinVar (database versions not stated): TOPMed 0.00001; ESP Exome Variant Server 0.00008.

Submission:

Labcorp Genetics (formerly Invitae), Labcorp
Classification: Likely pathogenic for Ethylmalonic encephalopathy. Last evaluated: 2023-10-06. Review status: criteria provided, single submitter. Criteria: Invitae Variant Classification Sherloc (09022015). Collection method: clinical testing. Allele origin: germline.
Comment: This sequence change affects an acceptor splice site in intron 2 of the ETHE1 gene. It is expected to disrupt RNA splicing. Variants that disrupt the donor or acceptor splice site typically lead to a loss of protein function (PMID: 16199547), and loss-of-function variants in ETHE1 are known to be pathogenic (PMID: 14732903, 19136963). This variant is present in population databases (rs370880966, gnomAD 0.003%). This variant has not been reported in the literature in individuals affected with ETHE1-related conditions. Algorithms developed to predict the effect of sequence changes on RNA splicing suggest that this variant may disrupt the consensus splice site. In summary, the currently available evidence indicates that the variant is pathogenic, but additional data are needed to prove that conclusively. Therefore, this variant has been classified as Likely Pathogenic.

Literature cited by the submitters: PubMed 16199547; PubMed 14732903; PubMed 19136963.

NM_014297.5(ETHE1):c.227-2A>G

Gene: ETHE1 (ETHE1 persulfide dioxygenase; minus strand). Cytogenetic location: 19q13.31.
Variant type: single nucleotide variant.
Coding change: c.227-2A>G on transcript NM_014297.5 (MANE Select); the canonical splice acceptor site of the intron before coding-DNA position 227, A replaced by G.
Molecular consequence: splice acceptor variant. On other transcripts: intron variant (3).
Genome position (GRCh38, 1-based): chr19:43,526,351, T>C on the plus strand (A>G on the coding strand, the complement: ETHE1 is on the minus strand). VCF-style: chr19-43526351-T-C. GRCh37 (hg19) VCF-style: chr19-44030503-T-C.
Other names: c.81+746A>G (NM_001320869.2); c.6+164A>G (NM_001320868.2); c.227-35A>G (NM_001320867.2).
Identifiers: ClinVar variation 2887689 (VCV002887689.3), dbSNP rs370880966, ClinGen allele CA308753663.
Genomic context (GRCh38, chr19:43,526,351, plus strand): 5'-GAGGAGGGAACGGAGCAGCCCCGAGCCTGTAATGTGGTCCGCGTGGCAGTGGGTATTCAC[T>C]GGGAGAGAGAGGAGGGACAGGTCCGGAGGGTACAGAAAGGACCTGGGAGTCCCAGCCCAG-3'